The following is an entry in ClinVar:

ClinVar aggregate classification (germline): Benign. Review status: criteria provided, multiple submitters, no conflicts (2 of 4 stars). 3 submissions from 3 submitters: Benign (2). 1 of the submissions does not count toward it. Last evaluated 2018-06-16.

Allele frequency attached by ClinVar (database versions not stated): 1000 Genomes Project 0.05611; 1000 Genomes Project 30x 0.05731; TOPMed 0.09872; gnomAD 0.10453 and 0.10631; ESP Exome Variant Server 0.10557; gnomAD exomes 0.10929 and 0.12889; ExAC 0.10952.
gnomAD v4.1: 203,684 of 1,612,548 alleles (13%); highest among the groups gnomAD compares: Middle Eastern, 18%; 14,180 homozygotes.

Submissions (3):

GeneDx
Classification: Benign. Last evaluated: 2018-06-16. Review status: criteria provided, single submitter. Criteria: GeneDx Variant Classification (06012015). Collection method: clinical testing. Allele origin: germline. Affected: yes.
Comment: This variant is considered likely benign or benign based on one or more of the following criteria: it is a conservative change, it occurs at a poorly conserved position in the protein, it is predicted to be benign by multiple in silico algorithms, and/or has population frequency not consistent with disease.

Breakthrough Genomics
Classification: Benign. Review status: criteria provided, single submitter. Criteria: ACMG Guidelines, 2015. Collection method: not provided. Allele origin: germline. Inheritance: Autosomal recessive inheritance. Affected: yes.

Genetic Services Laboratory, University of Chicago
Classification: Likely benign. Review status: no assertion criteria provided. Collection method: clinical testing. Allele origin: germline. Inheritance: Autosomal recessive inheritance. Not counted in ClinVar's aggregate classification.
Comment: Likely benign based on allele frequency in 1000 Genomes Project or ESP global frequency and its presence in a patient with a rare or unrelated disease phenotype. NOT Sanger confirmed

NM_018249.6(CDK5RAP2):c.5578+48C>T

Gene: CDK5RAP2 (CDK5 regulatory subunit associated protein 2; minus strand). Cytogenetic location: 9q33.2.
Variant type: single nucleotide variant.
Coding change: c.5578+48C>T on transcript NM_018249.6 (MANE Select); 48 bases into the intron after coding-DNA position 5578, C replaced by T.
Molecular consequence: intron variant.
Genome position (GRCh38, 1-based): chr9:120,394,464, G>A on the plus strand (C>T on the coding strand, the complement: CDK5RAP2 is on the minus strand). VCF-style: chr9-120394464-G-A. GRCh37 (hg19) VCF-style: chr9-123156742-G-A.
Other names: c.4888+48C>T (NM_001272039.2); c.5341+48C>T (NM_001011649.3).
Identifiers: ClinVar variation 158166 (VCV000158166.7), dbSNP rs10984902, ClinGen allele CA171594.
Genomic context (GRCh38, chr9:120,394,464, plus strand): 5'-CATGATTACAAACCATCTGGGCTCCAAAGTGGGTAATCCAGGGCAGAACTGGGAGCCCTC[G>A]GAGGCAGGAAGTGGTCAGGCATAGCGGCCACCCCCACACTCACTCACATTGATCAAAGAT-3'